The following is an entry in ClinVar:

NM_198253.3(TERT):c.3350C>T (p.Ala1117Val)

Gene: TERT (telomerase reverse transcriptase; minus strand). Cytogenetic location: 5p15.33.
Variant type: single nucleotide variant.
Coding change: c.3350C>T on transcript NM_198253.3 (MANE Select); coding-DNA position 3350, C replaced by T.
Protein change: p.Ala1117Val; replaces alanine 1117 with valine.
Molecular consequence: missense variant. On other transcripts: non-coding transcript variant (2).
Genome position (GRCh38, 1-based): chr5:1,253,777, G>A on the plus strand (C>T on the coding strand, the complement: TERT is on the minus strand). VCF-style: chr5-1253777-G-A. GRCh37 (hg19) VCF-style: chr5-1253892-G-A.
Other names: c.3350C>T (NM_198253.2); c.3161C>T, p.Ala1054Val (NM_001193376.3); short protein forms A1054V, A1117V.
Identifiers: ClinVar variation 1436623 (VCV001436623.7), dbSNP rs372822033, ClinGen allele CA112922537.

ClinVar aggregate classification (germline): Uncertain significance. Review status: criteria provided, multiple submitters, no conflicts (2 of 4 stars). 2 submissions from 2 submitters: Uncertain significance (2). Last evaluated 2023-11-23.

Conditions:
Dyskeratosis congenita, autosomal dominant 2. Identifiers: MedGen C3151443, MONDO:0013521, OMIM 613989.
Idiopathic Pulmonary Fibrosis. Also called: Idiopathic fibrosing alveolitis, chronic form; idiopathic fibrosing alveolitis. Identifiers: Orphanet 2032, MedGen C1800706, MeSH D054990, MONDO:0800504.
Dyskeratosis congenita. Identifiers: Orphanet 1775, MedGen C0265965, MONDO:0015780.

Submissions (2):

Ambry Genetics
Classification: Uncertain significance for Dyskeratosis congenita. Last evaluated: 2023-11-23. Review status: criteria provided, single submitter. Criteria: Ambry Variant Classification Scheme 2023. Collection method: clinical testing. Allele origin: germline.
Comment: The p.A1117V variant (also known as c.3350C>T), located in coding exon 16 of the TERT gene, results from a C to T substitution at nucleotide position 3350. The alanine at codon 1117 is replaced by valine, an amino acid with similar properties. This amino acid position is conserved. In addition, the in silico prediction for this alteration is inconclusive. Since supporting evidence is limited at this time, the clinical significance of this alteration remains unclear.

Labcorp Genetics (formerly Invitae), Labcorp
Classification: Uncertain significance for Dyskeratosis congenita, autosomal dominant 2; Idiopathic Pulmonary Fibrosis. Last evaluated: 2021-09-29. Review status: criteria provided, single submitter. Criteria: Invitae Variant Classification Sherloc (09022015). Collection method: clinical testing. Allele origin: germline.
Comment: In summary, the available evidence is currently insufficient to determine the role of this variant in disease. Therefore, it has been classified as a Variant of Uncertain Significance. Algorithms developed to predict the effect of missense changes on protein structure and function (SIFT, PolyPhen-2, Align-GVGD) all suggest that this variant is likely to be tolerated. This variant has not been reported in the literature in individuals affected with TERT-related conditions. This variant is not present in population databases (ExAC no frequency). This sequence change replaces alanine with valine at codon 1117 of the TERT protein (p.Ala1117Val). The alanine residue is weakly conserved and there is a small physicochemical difference between alanine and valine.